The following is an entry in ClinVar:

ClinVar aggregate classification (germline): Uncertain significance (1 of 4 stars; one submission).

Conditions:
Inborn genetic diseases. Identifiers: MedGen C0950123, MeSH D030342.

Allele frequency attached by ClinVar (database versions not stated): gnomAD exomes below 0.00001.

Submission:

Ambry Genetics
Classification: Uncertain significance for Inborn genetic diseases. Last evaluated: 2022-11-26. Review status: criteria provided, single submitter. Criteria: Ambry Variant Classification Scheme 2023. Collection method: clinical testing. Allele origin: germline.
Comment: The p.L447P variant (also known as c.1340T>C), located in coding exon 10 of the ACD gene, results from a T to C substitution at nucleotide position 1340. The leucine at codon 447 is replaced by proline, an amino acid with similar properties. This amino acid position is conserved. In addition, this alteration is predicted to be tolerated by in silico analysis. Since supporting evidence is limited at this time, the clinical significance of this alteration remains unclear.

NM_001082486.2(ACD):c.1082T>C (p.Leu361Pro)

Gene: ACD (ACD shelterin complex subunit and telomerase recruitment factor; minus strand). Cytogenetic location: 16q22.1.
Variant type: single nucleotide variant.
Coding change: c.1082T>C on transcript NM_001082486.2 (MANE Select); coding-DNA position 1082, T replaced by C.
Protein change: p.Leu361Pro; replaces leucine 361 with proline.
Molecular consequence: missense variant.
Genome position (GRCh38, 1-based): chr16:67,658,110, A>G on the plus strand (T>C on the coding strand, the complement: ACD is on the minus strand). VCF-style: chr16-67658110-A-G. GRCh37 (hg19) VCF-style: chr16-67692013-A-G.
Other names: c.995T>C, p.Leu332Pro (NM_001410884.1); c.1073T>C, p.Leu358Pro (NM_022914.3); short protein forms L332P, L358P, L361P.
Identifiers: ClinVar variation 2452433 (VCV002452433.2), dbSNP rs2543598668, ClinGen allele CA396352180.